The following is an entry in ClinVar:

NM_178857.6(RP1L1):c.3201C>T (p.Gly1067=)

Gene: RP1L1 (RP1 like 1). Cytogenetic location: 8p23.1.
Variant type: single nucleotide variant.
Coding change: c.3201C>T on transcript NM_178857.6 (MANE Select); coding-DNA position 3201, C replaced by T.
Protein change: p.Gly1067=; no amino-acid change (glycine 1067 retained).
Molecular consequence: synonymous variant.
Genome position (GRCh38, 1-based): chr8:10,610,897, G>A on the plus strand (C>T on the coding strand, the complement: RP1L1 is on the minus strand). VCF-style: chr8-10610897-G-A. GRCh37 (hg19) VCF-style: chr8-10468407-G-A.
Identifiers: ClinVar variation 361319 (VCV000361319.14), dbSNP rs200462441, ClinGen allele CA4624571.

ClinVar aggregate classification (germline): Benign/Likely benign. Review status: criteria provided, multiple submitters, no conflicts (2 of 4 stars). 8 submissions from 8 submitters: Benign (2); Likely benign (3). 3 of the submissions do not count toward it. Last evaluated 2026-09-01.

Conditions:
Retinitis pigmentosa 88. Identifiers: MedGen C5394208, MONDO:0032940, OMIM 618826.
Occult macular dystrophy (OCMD). Also called: OCCULT MACULAR DYSTROPHY, SUSCEPTIBILITY TO; OMD. Identifiers: Orphanet 247834, MedGen C3150833, MONDO:0013316, OMIM 613587, HP:0030636.
RP1L1-related disorder. Also called: RP1L1-related condition.

Allele frequency attached by ClinVar (database versions not stated): TOPMed 0.00015; gnomAD 0.00021 and 0.00023; gnomAD exomes 0.00024; ExAC 0.00026; ESP Exome Variant Server 0.00026.
gnomAD v4.1: 313 of 1,610,356 alleles (0.019%); highest among the groups gnomAD compares: Middle Eastern, 0.41%; 1 homozygote.

Submissions (8):

CeGaT Center for Human Genetics Tuebingen
Classification: Likely benign. Last evaluated: 2026-09-01. Review status: criteria provided, single submitter. Criteria: CeGaT Center For Human Genetics Tuebingen Variant Classification Criteria Version 2. Collection method: clinical testing. Allele origin: germline. Affected: yes. Observed: 1 variant allele.
Comment: RP1L1: BP4, BP7

Blueprint Genetics
Classification: Likely benign. Last evaluated: 2024-11-04. Review status: criteria provided, single submitter. Criteria: ACMG Guidelines, 2015. Collection method: clinical testing. Allele origin: germline.

Fulgent Genetics
Classification: Likely benign for Occult macular dystrophy; Retinitis pigmentosa 88. Last evaluated: 2022-01-22. Review status: criteria provided, single submitter. Criteria: ACMG Guidelines, 2015. Collection method: clinical testing. Allele origin: unknown.

Illumina Laboratory Services, Illumina
Classification: Benign for Occult macular dystrophy. Last evaluated: 2018-01-13. Review status: criteria provided, single submitter. Criteria: ICSL Variant Classification Criteria 13 December 2019. Collection method: clinical testing. Allele origin: germline.
Comment: This variant was observed in the ICSL laboratory as part of a predisposition screen in an ostensibly healthy population. It had not been previously curated by ICSL or reported in the Human Gene Mutation Database (HGMD: prior to June 1st, 2018), and was therefore a candidate for classification through an automated scoring system. Utilizing variant allele frequency, disease prevalence and penetrance estimates, and inheritance mode, an automated score was calculated to assess if this variant is too frequent to cause the disease. Based on the score and internal cut-off values, a variant classified as benign is not then subjected to further curation. The score for this variant resulted in a classification of benign for this disease.

Breakthrough Genomics
Classification: Benign. Review status: criteria provided, single submitter. Criteria: ACMG Guidelines, 2015. Collection method: not provided. Allele origin: germline. Inheritance: Autosomal recessive inheritance. Affected: yes.

PreventionGenetics, part of Exact Sciences
Classification: Likely benign for RP1L1-related condition. Last evaluated: 2019-11-14. Review status: no assertion criteria provided. Collection method: clinical testing. Allele origin: germline. Not counted in ClinVar's aggregate classification.
Comment: This variant is classified as likely benign based on ACMG/AMP sequence variant interpretation guidelines (Richards et al. 2015 PMID: 25741868, with internal and published modifications).

Clinical Genetics DNA and cytogenetics Diagnostics Lab, Erasmus MC, Erasmus Medical Center
Classification: Likely benign. Review status: no assertion criteria provided. Collection method: clinical testing. Allele origin: germline. Affected: yes. Study: VKGL Data-share Consensus. Not counted in ClinVar's aggregate classification.

Clinical Genetics, Academic Medical Center
Classification: Likely benign. Review status: no assertion criteria provided. Collection method: clinical testing. Allele origin: germline. Affected: yes. Study: VKGL Data-share Consensus. Not counted in ClinVar's aggregate classification.